The following is an entry in ClinVar:

NM_001379403.1(WDR26):c.1865+3A>G

Gene: WDR26 (WD repeat domain 26; minus strand). Cytogenetic location: 1q42.11.
Variant type: single nucleotide variant.
Coding change: c.1865+3A>G on transcript NM_001379403.1 (MANE Select); 3 bases into the intron after coding-DNA position 1865, A replaced by G.
Molecular consequence: intron variant.
Genome position (GRCh38, 1-based): chr1:224,398,886, T>C on the plus strand (A>G on the coding strand, the complement: WDR26 is on the minus strand). VCF-style: chr1-224398886-T-C. GRCh37 (hg19) VCF-style: chr1-224586588-T-C.
Other names: c.1517+3A>G (NM_001115113.3); c.1565+3A>G (NM_025160.7).
Identifiers: ClinVar variation 4813227 (VCV004813227.1).

ClinVar aggregate classification (germline): Uncertain significance (1 of 4 stars; one submission).

Submission:

GeneDx
Classification: Uncertain significance. Last evaluated: 2025-09-09. Review status: criteria provided, single submitter. Criteria: GeneDx Variant Classification Process June 2021. Collection method: clinical testing. Allele origin: germline. Affected: yes.
Comment: Not observed at significant frequency in large population cohorts (gnomAD); Has not been previously published as pathogenic or benign to our knowledge; In silico analysis is inconclusive as to whether the variant alters gene splicing. In the absence of RNA/functional studies, the actual effect of this sequence change is unknown..